The following is an entry in ClinVar:

NM_016642.4(SPTBN5):c.9542C>T (p.Pro3181Leu)

Gene: SPTBN5 (spectrin beta, non-erythrocytic 5; minus strand). Cytogenetic location: 15q15.1.
Variant type: single nucleotide variant.
Coding change: c.9542C>T on transcript NM_016642.4 (MANE Select); coding-DNA position 9542, C replaced by T.
Protein change: p.Pro3181Leu; replaces proline 3181 with leucine.
Molecular consequence: missense variant.
Genome position (GRCh38, 1-based): chr15:41,854,858, G>A on the plus strand (C>T on the coding strand, the complement: SPTBN5 is on the minus strand). VCF-style: chr15-41854858-G-A. GRCh37 (hg19) VCF-style: chr15-42147056-G-A.
Other names: short protein forms P3181L.
Identifiers: ClinVar variation 4865092 (VCV004865092.1).

ClinVar aggregate classification (germline): Uncertain significance (1 of 4 stars; one submission).

gnomAD v4.1: 4 of 1,608,894 alleles (0.00025%); highest among the groups gnomAD compares: Admixed American, 0.0034%; no homozygotes.

Submission:

Ambry Genetics
Classification: Uncertain significance. Last evaluated: 2026-06-04. Review status: criteria provided, single submitter. Criteria: Ambry Variant Classification Scheme 2023. Collection method: clinical testing. Allele origin: germline.
Comment: The c.9437C>T (p.P3146L) alteration is located in exon 56 (coding exon 55) of the SPTBN5 gene. This alteration results from a C to T substitution at nucleotide position 9437, causing the proline (P) at amino acid position 3146 to be replaced by a leucine (L). Based on data from gnomAD, the T allele has an overall frequency of <0.001% (1/246188) total alleles studied. The highest observed frequency was 0.003% (1/33922) of Latino alleles. Based on insufficient or conflicting evidence, the clinical significance of this alteration remains unclear.